The following is an entry in ClinVar:

ClinVar aggregate classification (germline): Conflicting classifications of pathogenicity. Review status: criteria provided, conflicting classifications (1 of 4 stars). 7 submissions from 7 submitters: Likely pathogenic (5); Uncertain significance (1). 1 of the submissions does not count toward it. Last evaluated 2025-11-21.

Conditions:
Cardiovascular phenotype. Identifiers: MedGen CN230736.
Left ventricular noncompaction 9 (LVNC9). Identifiers: MedGen C3808145, MONDO:0800346.
Dilated cardiomyopathy 1Y (CMD1Y). Identifiers: Orphanet 154, Orphanet 54260, MedGen C2678476, MONDO:0012744, OMIM 611878.
Primary dilated cardiomyopathy (DCM). Also called: Dilated Cardiomyopathy. Identifiers: Orphanet 217604, MedGen C0007193, MeSH D002311, MONDO:0005021, HP:0001644. Inheritance: Various modes of inheritance.
Hypertrophic cardiomyopathy. Also called: HYPERTROPHIC MYOCARDIOPATHY. Identifiers: Orphanet 217569, MedGen C0007194, MeSH D002312, MONDO:0005045, HP:0001639.

Allele frequency attached by ClinVar (database versions not stated): TOPMed below 0.00001.
gnomAD v4.1: 1 of 1,614,196 alleles (0.000062%); highest among the groups gnomAD compares: Non-Finnish European, 0.000085%; no homozygotes.

Submissions (7):

Molecular Diagnostic Laboratory for Inherited Cardiovascular Disease, Montreal Heart Institute
Classification: Likely pathogenic for Cardiovascular phenotype. Last evaluated: 2025-11-21. Review status: criteria provided, single submitter. Criteria: ACMG Guidelines, 2015. Collection method: clinical testing. Allele origin: germline. Affected: yes.
Comment: PM1, PM2, PS4_supp, PP1, PP2, PP3

Genesolutions, Medical Genetics Institutes, Ho Chi Minh City, Vietnam
Classification: Likely pathogenic for Dilated cardiomyopathy 1Y. Last evaluated: 2025-09-24. Review status: criteria provided, single submitter. Criteria: ACMG Guidelines, 2015. Collection method: clinical testing. Allele origin: germline. Affected: yes.

Labcorp Genetics (formerly Invitae), Labcorp
Classification: Uncertain significance for Hypertrophic cardiomyopathy. Last evaluated: 2022-11-24. Review status: criteria provided, single submitter. Criteria: Invitae Variant Classification Sherloc (09022015). Collection method: clinical testing. Allele origin: germline.
Comment: ClinVar contains an entry for this variant (Variation ID: 43414). This missense change has been observed in individual(s) with dilated cardiomyopathy or left ventricular noncompaction (PMID: 26899768, 29024827). It has also been observed to segregate with disease in related individuals. In summary, the available evidence is currently insufficient to determine the role of this variant in disease. Therefore, it has been classified as a Variant of Uncertain Significance. Algorithms developed to predict the effect of missense changes on protein structure and function are either unavailable or do not agree on the potential impact of this missense change (SIFT: "Tolerated"; PolyPhen-2: "Probably Damaging"; Align-GVGD: "Class C0"). This variant is not present in population databases (gnomAD no frequency). This sequence change replaces leucine, which is neutral and non-polar, with valine, which is neutral and non-polar, at codon 113 of the TPM1 protein (p.Leu113Val).

Ambry Genetics
Classification: Likely pathogenic for Cardiovascular phenotype. Last evaluated: 2018-12-31. Review status: criteria provided, single submitter. Criteria: Ambry Variant Classification Scheme 2023. Collection method: clinical testing. Allele origin: germline.
Comment: The p.L113V variant (also known as c.337C>G), located in coding exon 3 of the TPM1 gene, results from a C to G substitution at nucleotide position 337. The leucine at codon 113 is replaced by valine, an amino acid with highly similar properties. This variant was detected in two families with left ventricular non-compaction (LVNC), both families demonstrated segregation in multiple relatives; some affected individuals in the second family also had Ebstein anomaly and/or mitral valve insufficiency (Cuenca S et al. J. Heart Lung Transplant., 2016 May;35:625-35; Nijak A et al. Eur J Med Genet, 2018 Jan;61:8-10). This variant has also been reported in dilated cardiomyopathy (DCM) cohorts; however, clinical details were limited (Pugh TJ et al. Genet. Med., 2014 Aug;16:601-8; Walsh R et al. Genet. Med., 2017 02;19:192-203). This amino acid position is highly conserved in available vertebrate species. In addition, this alteration is predicted to be deleterious by in silico analysis. Based on the majority of available evidence to date, this variant is likely to be pathogenic.

GeneDx
Classification: Likely pathogenic. Last evaluated: 2016-12-09. Review status: criteria provided, single submitter. Criteria: GeneDx Variant Classification (06012015). Collection method: clinical testing. Allele origin: germline. Affected: yes.
Comment: The L113V likely pathogenic variant in the TPM1 gene has been previously reported in at least two unrelated families in association with DCM (Pugh et al., 2014; Cuenca et al., 2016). Furthermore, the L113V variant was not observed in approximately 6,500 individuals of European and African American ancestry in the NHLBI Exome Sequencing Project, indicating it is not a common benign variant in these populations. Although L113V is a conservative amino acid substitution, which is not likely to impact secondary protein structure as these residues share similar properties, this variant occurs at a position that is conserved across species. Moreover, in silico analysis predicts this variant is probably damaging to the protein structure/function.Therefore, this variant is likely pathogenic.

Laboratory for Molecular Medicine, Mass General Brigham Personalized Medicine
Classification: Likely pathogenic for Primary dilated cardiomyopathy. Last evaluated: 2013-02-11. Review status: criteria provided, single submitter. Criteria: LMM Criteria. Collection method: clinical testing. Allele origin: germline. Inheritance: Autosomal dominant inheritance. Observed: 2 variant alleles.
Comment: This variant has not been identified in large and broad European American and Africa n American populations by the NHLBI Exome Sequencing Project, which increases the likelihood that it is pathogenic. However, we cannot exclude that it may be common in other populations. Leucine (Leu) at a mino acid position 113 is highly conserved across mammals and evolutionarily dis tant species and the change to valine (Val) was predicted to be pathogenic using a computational tool clinically validated by our laboratory. This tool's pathog enic prediction is estimated to be correct 94% of the time (Jordan 2011). In sum mary, this variant is likely pathogenic, though additional studies are required to fully establish its clinical significance.

OMIM
Classification: Pathogenic for LEFT VENTRICULAR NONCOMPACTION 9. Last evaluated: 2019-01-15. Review status: no assertion criteria provided. Collection method: literature only. Allele origin: germline. Not counted in ClinVar's aggregate classification.

Literature cited by the submitters: PubMed 26899768 (cited by Labcorp Genetics (formerly Invitae), Labcorp and Ambry Genetics); PubMed 29024827 (cited by 3 submitters); PubMed 24503780 (cited by Ambry Genetics); PubMed 27532257 (cited by Ambry Genetics).

NM_001018005.2(TPM1):c.337C>G (p.Leu113Val)

Gene: TPM1 (tropomyosin 1; plus strand). Cytogenetic location: 15q22.2.
Variant type: single nucleotide variant.
Coding change: c.337C>G on transcript NM_001018005.2 (MANE Select); coding-DNA position 337, C replaced by G.
Protein change: p.Leu113Val; replaces leucine 113 with valine.
Molecular consequence: missense variant.
Genome position (GRCh38, 1-based): chr15:63,057,081, C>G. VCF-style: chr15-63057081-C-G. GRCh37 (hg19) VCF-style: chr15-63349280-C-G.
Other names: c.337C>G, p.Leu113Val (NM_000366.6, NM_001018004.2, NM_001018006.2 and 6 more transcripts); c.229C>G, p.Leu77Val (NM_001018008.2, NM_001301289.2, NM_001330344.2 and 5 more transcripts); c.463C>G, p.Leu155Val (NM_001365778.1); short protein forms L113V, L155V, L77V.
Identifiers: ClinVar variation 43414 (VCV000043414.17), dbSNP rs397516369, ClinGen allele CA017978.